The following is an entry in ClinVar:

ClinVar aggregate classification (germline): Uncertain significance. Review status: criteria provided, multiple submitters, no conflicts (2 of 4 stars). 2 submissions from 2 submitters: Uncertain significance (2). Last evaluated 2026-03-05.

Conditions:
Inborn genetic diseases. Identifiers: MedGen C0950123, MeSH D030342.

gnomAD v4.1: 14 of 1,614,108 alleles (0.00087%); highest among the groups gnomAD compares: East Asian, 0.0067%; no homozygotes.

Submissions (2):

GeneDx
Classification: Uncertain significance. Last evaluated: 2026-03-05. Review status: criteria provided, single submitter. Criteria: GeneDx Variant Classification Process June 2021. Collection method: clinical testing. Allele origin: germline.
Comment: In silico analysis suggests that this missense variant does not alter protein structure/function; Has not been previously published as pathogenic or benign to our knowledge

Ambry Genetics
Classification: Uncertain significance for Inborn genetic diseases. Last evaluated: 2024-04-23. Review status: criteria provided, single submitter. Criteria: Ambry Variant Classification Scheme 2023. Collection method: clinical testing. Allele origin: germline.

NM_004817.4(TJP2):c.3433G>C (p.Ala1145Pro)

Gene: TJP2 (tight junction protein 2; plus strand). Cytogenetic location: 9q21.11.
Variant type: single nucleotide variant.
Coding change: c.3433G>C on transcript NM_004817.4 (MANE Select); coding-DNA position 3433, G replaced by C.
Protein change: p.Ala1145Pro; replaces alanine 1145 with proline.
Molecular consequence: missense variant.
Genome position (GRCh38, 1-based): chr9:69,254,234, G>C. VCF-style: chr9-69254234-G-C. GRCh37 (hg19) VCF-style: chr9-71869150-G-C.
Other names: c.2923G>C, p.Ala975Pro (NM_001170414.2); c.3334G>C, p.Ala1112Pro (NM_001170415.1); c.3526G>C, p.Ala1176Pro (NM_001170416.2); c.3358G>C, p.Ala1120Pro (NM_001369870.1); c.3364G>C, p.Ala1122Pro (NM_001369871.1); c.3322G>C, p.Ala1108Pro (NM_001369872.1); c.3109G>C, p.Ala1037Pro (NM_001369873.1); c.3004G>C, p.Ala1002Pro (NM_001369874.1); and 2 more; short protein forms A1037P, A1108P, A1122P, A1176P, A975P, A998P, A1120P, A1145P.
Identifiers: ClinVar variation 3326231 (VCV003326231.2).